The following is an entry in ClinVar:

NM_020745.4(AARS2):c.1752+8_1752+9del

Gene: AARS2 (alanyl-tRNA synthetase 2, mitochondrial; minus strand). Cytogenetic location: 6p21.1.
Variant type: Microsatellite.
Coding change: c.1752+8_1752+9del on transcript NM_020745.4 (MANE Select); bases 8 to 9 of the intron after coding-DNA position 1752, 2 bases deleted (TC; older notation c.1752+8_1752+9delTC).
Molecular consequence: intron variant.
Genome position (GRCh38, 1-based): chr6:44,304,636-44,304,637, GA deleted on the plus strand (TC on the coding strand, the reverse complement: AARS2 is on the minus strand); deleting any 2 consecutive bases within chr6:44,304,636-44,304,639 gives the same sequence; the c. name uses the placement nearest the transcript's 3' end. VCF-style (leftmost placement, unchanged base first): chr6-44304635-GGA-G. GRCh37 (hg19) VCF-style: chr6-44272372-GGA-G.
Other names: c.1752+8_1752+9delTC (NM_020745.2).
Identifiers: ClinVar variation 421124 (VCV000421124.5), dbSNP rs764521639, ClinGen allele CA3834229.
Genomic context (GRCh38, chr6:44,304,635, plus strand): 5'-CCCCTTGGCTCCCACTCAGGCTTGGGTCTGCCGCCCACAGAAATCAGCCTGGGTTGTGAT[GGA>G]GACTCACCTCTTGCCCTGCCCGCACCAGGTAGCCACGGTCTGAAGCCTGGCCCCCCTGTT-3'

ClinVar aggregate classification (germline): Likely benign. Review status: criteria provided, single submitter (1 of 4 stars). 2 submissions from 2 submitters: Likely benign (1). 1 of the submissions does not count toward it. Last evaluated 2016-05-24.

Conditions:
AARS2-related disorder. Also called: AARS2-related condition; AARS2-related disorders. Identifiers: MedGen CN381518, MONDO:1060240.

Submissions (2):

GeneDx
Classification: Likely benign. Last evaluated: 2016-05-24. Review status: criteria provided, single submitter. Criteria: GeneDx Variant Classification (06012015). Collection method: clinical testing. Allele origin: germline. Affected: yes.
Comment: This variant is considered likely benign or benign based on one or more of the following criteria: it is a conservative change, it occurs at a poorly conserved position in the protein, it is predicted to be benign by multiple in silico algorithms, and/or has population frequency not consistent with disease.

PreventionGenetics, part of Exact Sciences
Classification: Likely benign for AARS2-related condition. Last evaluated: 2023-05-17. Review status: no assertion criteria provided. Collection method: clinical testing. Allele origin: germline. Not counted in ClinVar's aggregate classification.
Comment: This variant is classified as likely benign based on ACMG/AMP sequence variant interpretation guidelines (Richards et al. 2015 PMID: 25741868, with internal and published modifications).